The following is an entry in ClinVar:

NM_001110354.2(ZP3):c.994C>T (p.His332Tyr)

Gene: ZP3 (zona pellucida glycoprotein 3; plus strand). Cytogenetic location: 7q11.23.
Variant type: single nucleotide variant.
Coding change: c.994C>T on transcript NM_001110354.2 (MANE Select); coding-DNA position 994, C replaced by T.
Protein change: p.His332Tyr; replaces histidine 332 with tyrosine.
Molecular consequence: missense variant.
Genome position (GRCh38, 1-based): chr7:76,440,545, C>T. VCF-style: chr7-76440545-C-T. GRCh37 (hg19) VCF-style: chr7-76069862-C-T.
Other names: c.841C>T, p.His281Tyr (NM_007155.6); short protein forms H281Y, H332Y.
Identifiers: ClinVar variation 2579020 (VCV002579020.25), dbSNP rs371583399, ClinGen allele CA4307608.
Genomic context (GRCh38, chr7:76,440,545, plus strand): 5'-GTGGAAGGCTCGGCTGACATCTGTCAATGCTGTAACAAAGGTGACTGTGGCACTCCAAGC[C>T]ATTCCAGGAGGCAGCCTCATGTCATGAGCCAGTGGTCCAGGTCTGCTTCCCGTAACCGCA-3'
Protein context (NP_001103824.1, residues 322-342): CNKGDCGTPS[His332Tyr]SRRQPHVMSQ

ClinVar aggregate classification (germline): Uncertain significance (1 of 4 stars; one submission).

Allele frequency attached by ClinVar (database versions not stated): gnomAD 0.00001; ExAC 0.00002; gnomAD exomes 0.00002; TOPMed 0.00003; ESP Exome Variant Server 0.00015.
gnomAD v4.1: 33 of 1,614,082 alleles (0.002%); highest among the groups gnomAD compares: African/African-American, 0.004%; no homozygotes.

Submission:

CeGaT Center for Human Genetics Tuebingen
Classification: Uncertain significance. Last evaluated: 2023-07-01. Review status: criteria provided, single submitter. Criteria: CeGaT Center For Human Genetics Tuebingen Variant Classification Criteria Version 2. Collection method: clinical testing. Allele origin: germline. Affected: yes. Observed: 1 variant allele.
Comment: ZP3: PP2, BP4